The following is an entry in ClinVar:

ClinVar aggregate classification (germline): Uncertain significance. Review status: criteria provided, multiple submitters, no conflicts (2 of 4 stars). 2 submissions from 2 submitters: Uncertain significance (2). Last evaluated 2022-01-05.

Conditions:
Bifunctional peroxisomal enzyme deficiency (DBIF). Also called: DBP DEFICIENCY; PBFE DEFICIENCY; D-bifunctional protein deficiency. Identifiers: Orphanet 300, MedGen C0342870, MONDO:0009855, OMIM 261515. Disease mechanism: loss of function.
Perrault syndrome. Also called: Gonadal dysgenesis with auditory dysfunction, autosomal recessive inheritance. Identifiers: Orphanet 2855, MedGen C0685838, MONDO:0017312.

Allele frequency attached by ClinVar (database versions not stated): ExAC 0.00001; gnomAD exomes 0.00001.
gnomAD v4.1: 13 of 1,590,576 alleles (0.00082%); highest among the groups gnomAD compares: South Asian, 0.014%; no homozygotes.

Submissions (2):

Labcorp Genetics (formerly Invitae), Labcorp
Classification: Uncertain significance for Perrault syndrome; Bifunctional peroxisomal enzyme deficiency. Last evaluated: 2022-01-05. Review status: criteria provided, single submitter. Criteria: Invitae Variant Classification Sherloc (09022015). Collection method: clinical testing. Allele origin: germline.
Comment: This sequence change replaces glutamic acid, which is acidic and polar, with glutamine, which is neutral and polar, at codon 452 of the HSD17B4 protein (p.Glu452Gln). This variant is present in population databases (rs760375484, gnomAD 0.006%). This variant has not been reported in the literature in individuals affected with HSD17B4-related conditions. Algorithms developed to predict the effect of missense changes on protein structure and function (SIFT, PolyPhen-2, Align-GVGD) all suggest that this variant is likely to be tolerated. In summary, the available evidence is currently insufficient to determine the role of this variant in disease. Therefore, it has been classified as a Variant of Uncertain Significance.

Blueprint Genetics
Classification: Uncertain significance. Last evaluated: 2017-09-25. Review status: criteria provided, single submitter. Criteria: ACMG Guidelines, 2015. Collection method: clinical testing. Allele origin: germline.

NM_000414.4(HSD17B4):c.1354G>C (p.Glu452Gln)

Gene: HSD17B4 (hydroxysteroid 17-beta dehydrogenase 4; plus strand). Cytogenetic location: 5q23.1.
Variant type: single nucleotide variant.
Coding change: c.1354G>C on transcript NM_000414.4 (MANE Select); coding-DNA position 1354, G replaced by C.
Protein change: p.Glu452Gln; replaces glutamic acid 452 with glutamine.
Molecular consequence: missense variant. On other transcripts: non-coding transcript variant (2).
Genome position (GRCh38, 1-based): chr5:119,509,161, G>C. VCF-style: chr5-119509161-G-C. GRCh37 (hg19) VCF-style: chr5-118844856-G-C.
Other names: c.1429G>C, p.Glu477Gln (NM_001199291.3); c.1300G>C, p.Glu434Gln (NM_001199292.2); c.1282G>C, p.Glu428Gln (NM_001292027.2, NM_001374498.1); c.934G>C, p.Glu312Gln (NM_001292028.2); c.1345G>C, p.Glu449Gln (NM_001374497.1); c.1027G>C, p.Glu343Gln (NM_001374499.1); c.913G>C, p.Glu305Gln (NM_001374500.1); c.943G>C, p.Glu315Gln (NM_001374501.1, NM_001374502.1, NM_001374503.1); short protein forms E312Q, E428Q, E449Q, E315Q, E434Q, E452Q, E305Q, E343Q.
Identifiers: ClinVar variation 1970885 (VCV001970885.3), dbSNP rs760375484, ClinGen allele CA3382211.